The following is an entry in ClinVar:

NM_000217.3(KCNA1):c.1260G>C (p.Glu420Asp)

Gene: KCNA1 (potassium voltage-gated channel subfamily A member 1; plus strand). Cytogenetic location: 12p13.32.
Variant type: single nucleotide variant.
Coding change: c.1260G>C on transcript NM_000217.3 (MANE Select); coding-DNA position 1260, G replaced by C.
Protein change: p.Glu420Asp; replaces glutamic acid 420 with aspartic acid.
Molecular consequence: missense variant.
Genome position (GRCh38, 1-based): chr12:4,912,638, G>C. VCF-style: chr12-4912638-G-C. GRCh37 (hg19) VCF-style: chr12-5021804-G-C.
Other names: short protein forms E420D.
Identifiers: ClinVar variation 2156897 (VCV002156897.4), dbSNP rs971990578, ClinGen allele CA231856236.

ClinVar aggregate classification (germline): Uncertain significance (1 of 4 stars; one submission).

Conditions:
Episodic ataxia type 1 (EA1). Also called: PAROXYSMAL ATAXIA WITH NEUROMYOTONIA, HEREDITARY; MYOKYMIA WITH PERIODIC ATAXIA; ATAXIA, EPISODIC, WITH MYOKYMIA; Episodic ataxia/myokymia syndrome. Identifiers: Orphanet 37612, Orphanet 972, MedGen C1719788, MONDO:0008047, OMIM 160120.

Allele frequency attached by ClinVar (database versions not stated): gnomAD 0.00001; TOPMed below 0.00001.

Submission:

Labcorp Genetics (formerly Invitae), Labcorp
Classification: Uncertain significance for Episodic ataxia type 1. Last evaluated: 2022-06-15. Review status: criteria provided, single submitter. Criteria: Invitae Variant Classification Sherloc (09022015). Collection method: clinical testing. Allele origin: germline.
Comment: This sequence change replaces glutamic acid, which is acidic and polar, with aspartic acid, which is acidic and polar, at codon 420 of the KCNA1 protein (p.Glu420Asp). In summary, the available evidence is currently insufficient to determine the role of this variant in disease. Therefore, it has been classified as a Variant of Uncertain Significance. This variant is present in population databases (no rsID available, gnomAD 0.01%). This variant has not been reported in the literature in individuals affected with KCNA1-related conditions. Advanced modeling of protein sequence and biophysical properties (such as structural, functional, and spatial information, amino acid conservation, physicochemical variation, residue mobility, and thermodynamic stability) performed at Invitae indicates that this missense variant is not expected to disrupt KCNA1 protein function.